The following is an entry in ClinVar:

ClinVar aggregate classification (germline): Conflicting classifications of pathogenicity. Review status: criteria provided, conflicting classifications (1 of 4 stars). 3 submissions from 3 submitters: Uncertain significance (2); Likely benign (1). Last evaluated 2026-01-06.

Conditions:
Classic or attenuated familial adenomatous polyposis. Identifiers: MedGen CN372698, MONDO:0021057.
Familial adenomatous polyposis 1 (FAP1). Also called: POLYPOSIS, ADENOMATOUS INTESTINAL; FAMILIAL ADENOMATOUS POLYPOSIS 1, ATTENUATED. Identifiers: MedGen C2713442, MONDO:0021056, OMIM 175100. Disease mechanism: loss of function.
Hereditary cancer-predisposing syndrome. Also called: Neoplastic Syndromes, Hereditary; Tumor predisposition; Hereditary Cancer Syndrome; Hereditary neoplastic syndrome. Identifiers: Orphanet 140162, MedGen C0027672, MeSH D009386, MONDO:0015356.

Submissions (3):

Labcorp Genetics (formerly Invitae), Labcorp
Classification: Uncertain significance for Familial adenomatous polyposis 1. Last evaluated: 2026-01-06. Review status: criteria provided, single submitter. Criteria: Invitae Variant Classification Sherloc (09022015). Collection method: clinical testing. Allele origin: germline.
Comment: This sequence change falls in intron 15 of the APC gene. It does not directly change the encoded amino acid sequence of the APC protein. It affects a nucleotide within the consensus splice site. This variant is not present in population databases (gnomAD no frequency). This variant has not been reported in the literature in individuals affected with APC-related conditions. ClinVar contains an entry for this variant (Variation ID: 639726). Variants that disrupt the consensus splice site are a relatively common cause of aberrant splicing (PMID: 17576681, 9536098). Algorithms developed to predict the effect of sequence changes on RNA splicing suggest that this variant is not likely to affect RNA splicing. In summary, the available evidence is currently insufficient to determine the role of this variant in disease. Therefore, it has been classified as a Variant of Uncertain Significance.

Ambry Genetics
Classification: Likely benign for Hereditary cancer-predisposing syndrome. Last evaluated: 2023-08-25. Review status: criteria provided, single submitter. Criteria: Ambry Variant Classification Scheme 2023. Collection method: clinical testing. Allele origin: germline.

All of Us Research Program, National Institutes of Health
Classification: Uncertain significance for Classic or attenuated familial adenomatous polyposis. Last evaluated: 2023-06-26. Review status: criteria provided, single submitter. Criteria: ACMG Guidelines, 2015. Collection method: clinical testing. Allele origin: germline. Inheritance: Autosomal dominant inheritance. Observed: 1 variant allele, 1 heterozygote.
Comment: This variant causes an A to C nucleotide substitution at the +5 position of intron 15 of the APC gene. To our knowledge, functional studies have not been reported for this variant. This variant has not been reported in individuals affected with APC-related disorders in the literature. This variant has not been identified in the general population by the Genome Aggregation Database (gnomAD). The available evidence is insufficient to determine the role of this variant in disease conclusively. Therefore, this variant is classified as a Variant of Uncertain Significance.

This study involves interpretation of variants in research participants for the purpose of population health screening. Participant phenotype was not available at the time of variant classification. Additional details can be found in publication PMID: 35346344, PMCID: PMC8962531

Literature cited by the submitters: PubMed 17576681 (cited by Labcorp Genetics (formerly Invitae), Labcorp); PubMed 9536098 (cited by Labcorp Genetics (formerly Invitae), Labcorp).

NM_000038.6(APC):c.1958+5A>C

Gene: APC (APC regulator of Wnt signaling pathway; plus strand). Cytogenetic location: 5q22.2.
Variant type: single nucleotide variant.
Coding change: c.1958+5A>C on transcript NM_000038.6 (MANE Select); 5 bases into the intron after coding-DNA position 1958, A replaced by C.
Molecular consequence: intron variant.
Genome position (GRCh38, 1-based): chr5:112,835,170, A>C. VCF-style: chr5-112835170-A-C. GRCh37 (hg19) VCF-style: chr5-112170867-A-C.
Other names: c.1958+5A>C (NM_001354895.2, NM_001127510.3); c.1988+5A>C (NM_001354897.2); c.1685+5A>C (NM_001354902.2); c.1904+5A>C (NM_001127511.3); c.1883+5A>C (NM_001354898.2); c.1580+5A>C (NM_001354904.2); c.1109+5A>C (NM_001354906.2); c.2012+5A>C (NM_001354896.2); and 5 more.
Identifiers: ClinVar variation 639726 (VCV000639726.17), dbSNP rs762899641, ClinGen allele CA915942609.